The following is an entry in ClinVar:

NM_018993.4(RIN2):c.1141C>T (p.Arg381Trp)

Gene: RIN2 (Ras and Rab interactor 2; plus strand). Cytogenetic location: 20p11.23.
Variant type: single nucleotide variant.
Coding change: c.1141C>T on transcript NM_018993.4 (MANE Select); coding-DNA position 1141, C replaced by T.
Protein change: p.Arg381Trp; replaces arginine 381 with tryptophan.
Molecular consequence: missense variant.
Genome position (GRCh38, 1-based): chr20:19,975,166, C>T. VCF-style: chr20-19975166-C-T. GRCh37 (hg19) VCF-style: chr20-19955810-C-T.
Other names: c.1288C>T, p.Arg430Trp (NM_001242581.2); c.523C>T, p.Arg175Trp (NM_001378238.1); short protein forms R381W, R430W, R175W.
Identifiers: ClinVar variation 511737 (VCV000511737.57), dbSNP rs199954296, ClinGen allele CA9780020.

ClinVar aggregate classification (germline): Conflicting classifications of pathogenicity. Review status: criteria provided, conflicting classifications (1 of 4 stars). 6 submissions from 6 submitters: Uncertain significance (2); Benign (1); Likely benign (2). 1 of the submissions does not count toward it. Last evaluated 2026-02-01.

Conditions:
RIN2-related disorder. Also called: RIN2-related condition.
Inborn genetic diseases. Identifiers: MedGen C0950123, MeSH D030342.

Allele frequency attached by ClinVar (database versions not stated): 1000 Genomes Project 0.00100; 1000 Genomes Project 30x 0.00125; ESP Exome Variant Server 0.00127; gnomAD exomes 0.00159 and 0.00168; TOPMed 0.00178; ExAC 0.00185; gnomAD 0.00249.
gnomAD v4.1: 2,620 of 1,611,470 alleles (0.16%); highest among the groups gnomAD compares: Non-Finnish European, 0.15%; 2 homozygotes.

Submissions (6):

Labcorp Genetics (formerly Invitae), Labcorp
Classification: Benign. Last evaluated: 2026-02-01. Review status: criteria provided, single submitter. Criteria: Invitae Variant Classification Sherloc (09022015). Collection method: clinical testing. Allele origin: germline.

Ambry Genetics
Classification: Uncertain significance for Inborn genetic diseases. Last evaluated: 2024-05-13. Review status: criteria provided, single submitter. Criteria: Ambry Variant Classification Scheme 2023. Collection method: clinical testing. Allele origin: germline.

Genetic Services Laboratory, University of Chicago
Classification: Likely benign. Last evaluated: 2020-01-13. Review status: criteria provided, single submitter. Criteria: ACMG Guidelines, 2015. Collection method: clinical testing. Allele origin: germline. Affected: no.
Comment: DNA sequence analysis of the RIN2 gene demonstrated a sequence change, c.1141C>T, in exon 7 that results in an amino acid change, p.Arg381Trp. This sequence change does not appear to have been previously described in patients with RIN2-related disorders and has been described in the gnomAD database with a population frequency of 0.82% in Finnish subpopulation; it has been observed in 1 individual in the homozygous state (dbSNP rs199954296). The p.Arg381Trp change affects a moderately conserved amino acid residue located in a domain of the RIN2 protein that is not known to be functional. In-silico pathogenicity prediction tools (SIFT, PolyPhen2, Align GVGD, REVEL) provide contradictory results for the p.Arg381Trp substitution. Due to these evidences and the lack of functional studies, the clinical significance of the p.Arg381Trp change remains unknown at this time.

GeneDx
Classification: Likely benign. Last evaluated: 2018-03-06. Review status: criteria provided, single submitter. Criteria: GeneDx Variant Classification (06012015). Collection method: clinical testing. Allele origin: germline. Affected: yes.
Comment: This variant is considered likely benign or benign based on one or more of the following criteria: it is a conservative change, it occurs at a poorly conserved position in the protein, it is predicted to be benign by multiple in silico algorithms, and/or has population frequency not consistent with disease.

CeGaT Center for Human Genetics Tuebingen
Classification: Uncertain significance. Last evaluated: 2017-11-01. Review status: criteria provided, single submitter. Criteria: CeGaT Center For Human Genetics Tuebingen Variant Classification Criteria Version 2. Collection method: clinical testing. Allele origin: germline. Affected: yes. Observed: 1 variant allele.

PreventionGenetics, part of Exact Sciences
Classification: Benign for RIN2-related condition. Last evaluated: 2020-07-06. Review status: no assertion criteria provided. Collection method: clinical testing. Allele origin: germline. Not counted in ClinVar's aggregate classification.
Comment: This variant is classified as benign based on ACMG/AMP sequence variant interpretation guidelines (Richards et al. 2015 PMID: 25741868, with internal and published modifications).